The following is an entry in ClinVar:

NM_000540.3(RYR1):c.12283-9C>T

Gene: RYR1 (ryanodine receptor 1; plus strand). Cytogenetic location: 19q13.2.
Variant type: single nucleotide variant.
Coding change: c.12283-9C>T on transcript NM_000540.3 (MANE Select); 9 bases into the intron before coding-DNA position 12283, C replaced by T.
Molecular consequence: intron variant.
Genome position (GRCh38, 1-based): chr19:38,561,104, C>T. VCF-style: chr19-38561104-C-T. GRCh37 (hg19) VCF-style: chr19-39051744-C-T.
Other names: c.12268-9C>T (NM_001042723.2).
Identifiers: ClinVar variation 1150340 (VCV001150340.12), dbSNP rs558809224, ClinGen allele CA058649.
Genomic context (GRCh38, chr19:38,561,104, plus strand): 5'-AAAAAAAAAAAAAAGAGAGAGAATTGAGGCTCTCCAGGTCACCCCACTGACCTCCCTGCC[C>T]GCCCCCAGGCCATGGACAGCCAGAAGCAGTTCAGCGGTCCAGAAATCCAGTTCCTGCTTT-3'

ClinVar aggregate classification (germline): Likely benign. Review status: criteria provided, multiple submitters, no conflicts (2 of 4 stars). 4 submissions from 4 submitters: Likely benign (4). Last evaluated 2026-01-17.

Conditions:
RYR1-related disorder. Also called: RYR1-related disorders; RYR1-related condition. Identifiers: MedGen CN239331.
Malignant hyperthermia, susceptibility to, 1 (MHS1). Also called: RYR1-Related Malignant Hyperthermia Susceptibility; Malignant hyperthermia suceptibility 1; Anesthesia related hyperthermia; Malignant hyperpyrexia; Fulminating hyperpyrexia; Pharmacogenic myopathy. Identifiers: Orphanet 423, MedGen C2930980, MONDO:0007783, OMIM 145600.

Allele frequency attached by ClinVar (database versions not stated): gnomAD exomes 0.00002 and 0.00003; ExAC 0.00003; TOPMed 0.00003; gnomAD 0.00004; 1000 Genomes Project 30x 0.00016; 1000 Genomes Project 0.00020.
gnomAD v4.1: 50 of 1,613,898 alleles (0.0031%); highest among the groups gnomAD compares: Non-Finnish European, 0.0038%; no homozygotes.

Submissions (4):

Labcorp Genetics (formerly Invitae), Labcorp
Classification: Likely benign for RYR1-related disorder. Last evaluated: 2026-01-17. Review status: criteria provided, single submitter. Criteria: Invitae Variant Classification Sherloc (09022015). Collection method: clinical testing. Allele origin: germline.

Blueprint Genetics
Classification: Likely benign. Last evaluated: 2024-11-20. Review status: criteria provided, single submitter. Criteria: ACMG Guidelines, 2015. Collection method: clinical testing. Allele origin: germline.

All of Us Research Program, National Institutes of Health
Classification: Likely benign for Malignant hyperthermia, susceptibility to, 1. Last evaluated: 2023-11-28. Review status: criteria provided, single submitter. Criteria: ACMG Guidelines, 2015. Collection method: clinical testing. Allele origin: germline. Inheritance: Autosomal dominant inheritance. Observed: 7 variant alleles, 7 heterozygotes.
Comment: This study involves interpretation of variants in research participants for the purpose of population health screening. Participant phenotype was not available at the time of variant classification. Additional details can be found in publication PMID: 35346344, PMCID: PMC8962531

Color Diagnostics, LLC DBA Color Health
Classification: Likely benign for Malignant hyperthermia, susceptibility to, 1. Last evaluated: 2022-11-17. Review status: criteria provided, single submitter. Criteria: ACMG Guidelines, 2015. Collection method: clinical testing. Allele origin: germline.